The following is an entry in ClinVar:

NM_144631.6(ZNF513):c.649A>G (p.Ser217Gly)

Gene: ZNF513 (zinc finger protein 513; minus strand). Cytogenetic location: 2p23.3.
Variant type: single nucleotide variant.
Coding change: c.649A>G on transcript NM_144631.6 (MANE Select); coding-DNA position 649, A replaced by G.
Protein change: p.Ser217Gly; replaces serine 217 with glycine.
Molecular consequence: missense variant.
Genome position (GRCh38, 1-based): chr2:27,378,617, T>C on the plus strand (A>G on the coding strand, the complement: ZNF513 is on the minus strand). VCF-style: chr2-27378617-T-C. GRCh37 (hg19) VCF-style: chr2-27601484-T-C.
Other names: c.463A>G, p.Ser155Gly (NM_001201459.2); short protein forms S217G, S155G.
Identifiers: ClinVar variation 3725537 (VCV003725537.2).

ClinVar aggregate classification (germline): Uncertain significance (1 of 4 stars; one submission).

Submission:

Labcorp Genetics (formerly Invitae), Labcorp
Classification: Uncertain significance. Last evaluated: 2024-11-19. Review status: criteria provided, single submitter. Criteria: Invitae Variant Classification Sherloc (09022015). Collection method: clinical testing. Allele origin: germline.
Comment: This sequence change replaces serine, which is neutral and polar, with glycine, which is neutral and non-polar, at codon 217 of the ZNF513 protein (p.Ser217Gly). This variant is not present in population databases (gnomAD no frequency). This variant has not been reported in the literature in individuals affected with ZNF513-related conditions. An algorithm developed to predict the effect of missense changes on protein structure and function (PolyPhen-2) suggests that this variant is likely to be tolerated. In summary, the available evidence is currently insufficient to determine the role of this variant in disease. Therefore, it has been classified as a Variant of Uncertain Significance.